The following is an entry in ClinVar:

NM_001875.5(CPS1):c.1706C>T (p.Ser569Leu)

Gene: CPS1 (carbamoyl-phosphate synthase 1; plus strand). Cytogenetic location: 2q34.
Variant type: single nucleotide variant.
Coding change: c.1706C>T on transcript NM_001875.5 (MANE Select); coding-DNA position 1706, C replaced by T.
Protein change: p.Ser569Leu; replaces serine 569 with leucine.
Molecular consequence: missense variant. On other transcripts: non-coding transcript variant (2).
Genome position (GRCh38, 1-based): chr2:210,600,711, C>T. VCF-style: chr2-210600711-C-T. GRCh37 (hg19) VCF-style: chr2-211465435-C-T.
Other names: c.1706C>T, p.Ser569Leu (NM_001122633.3, NM_001369257.1); c.1739C>T, p.Ser580Leu (NM_001369256.1); short protein forms S569L, S580L.
Identifiers: ClinVar variation 2155745 (VCV002155745.2), dbSNP rs772786711, ClinGen allele CA2086426.

ClinVar aggregate classification (germline): Uncertain significance. Review status: criteria provided, multiple submitters, no conflicts (2 of 4 stars). 2 submissions from 2 submitters: Uncertain significance (2). Last evaluated 2025-08-01.

Conditions:
Congenital hyperammonemia, type I. Also called: CPS 1 deficiency; Carbamyl phosphate synthetase (CPS) deficiency; Carbamoyl phosphate synthetase I deficiency disease; CPS I DEFICIENCY; Carbamoyl phosphate synthetase 1 deficiency; Hyperammonemia due to carbamoyl phosphate synthetase 1 deficiency. Identifiers: Orphanet 147, MedGen C4082171, MONDO:0009376, OMIM 237300.
Inborn genetic diseases. Identifiers: MedGen C0950123, MeSH D030342.

Allele frequency attached by ClinVar (database versions not stated): TOPMed 0.00001; gnomAD 0.00003.

Submissions (2):

Ambry Genetics
Classification: Uncertain significance for Inborn genetic diseases. Last evaluated: 2025-08-01. Review status: criteria provided, single submitter. Criteria: Ambry Variant Classification Scheme 2023. Collection method: clinical testing. Allele origin: germline.

Labcorp Genetics (formerly Invitae), Labcorp
Classification: Uncertain significance for Congenital hyperammonemia, type I. Last evaluated: 2022-02-20. Review status: criteria provided, single submitter. Criteria: Invitae Variant Classification Sherloc (09022015). Collection method: clinical testing. Allele origin: germline.
Comment: This sequence change replaces serine, which is neutral and polar, with leucine, which is neutral and non-polar, at codon 569 of the CPS1 protein (p.Ser569Leu). This variant is present in population databases (rs772786711, gnomAD 0.02%). This variant has not been reported in the literature in individuals affected with CPS1-related conditions. Algorithms developed to predict the effect of missense changes on protein structure and function are either unavailable or do not agree on the potential impact of this missense change (SIFT: "Deleterious"; PolyPhen-2: "Benign"; Align-GVGD: "Class C0"). In summary, the available evidence is currently insufficient to determine the role of this variant in disease. Therefore, it has been classified as a Variant of Uncertain Significance.